The following is an entry in ClinVar:

ClinVar aggregate classification (germline): Uncertain significance (1 of 4 stars; one submission).

Conditions:
RYR1-related disorder. Also called: RYR1-related condition; RYR1-related disorders. Identifiers: MedGen CN239331.

gnomAD v4.1: 1 of 1,614,200 alleles (0.000062%); highest among the groups gnomAD compares: Non-Finnish European, 0.000085%; no homozygotes.

Submission:

Labcorp Genetics (formerly Invitae), Labcorp
Classification: Uncertain significance for RYR1-related disorder. Last evaluated: 2024-07-24. Review status: criteria provided, single submitter. Criteria: Invitae Variant Classification Sherloc (09022015). Collection method: clinical testing. Allele origin: germline.
Comment: This sequence change replaces tryptophan, which is neutral and slightly polar, with arginine, which is basic and polar, at codon 1087 of the RYR1 protein (p.Trp1087Arg). This variant is not present in population databases (gnomAD no frequency). This variant has not been reported in the literature in individuals affected with RYR1-related conditions. Advanced modeling of protein sequence and biophysical properties (such as structural, functional, and spatial information, amino acid conservation, physicochemical variation, residue mobility, and thermodynamic stability) performed at Invitae indicates that this missense variant is expected to disrupt RYR1 protein function with a positive predictive value of 95%. In summary, the available evidence is currently insufficient to determine the role of this variant in disease. Therefore, it has been classified as a Variant of Uncertain Significance.

NM_000540.3(RYR1):c.3259T>C (p.Trp1087Arg)

Gene: RYR1 (ryanodine receptor 1; plus strand). Cytogenetic location: 19q13.2.
Variant type: single nucleotide variant.
Coding change: c.3259T>C on transcript NM_000540.3 (MANE Select); coding-DNA position 3259, T replaced by C.
Protein change: p.Trp1087Arg; replaces tryptophan 1087 with arginine.
Molecular consequence: missense variant.
Genome position (GRCh38, 1-based): chr19:38,467,690, T>C. VCF-style: chr19-38467690-T-C. GRCh37 (hg19) VCF-style: chr19-38958330-T-C.
Other names: c.3259T>C, p.Trp1087Arg (NM_001042723.2); short protein forms W1087R.
Identifiers: ClinVar variation 3613603 (VCV003613603.1).
Genomic context (GRCh38, chr19:38,467,690, plus strand): 5'-CGTTGTGACCGGGTGCGCATCTTCCGGGCAGAGAAATCCTATACAGTGCAGAGCGGCCGC[T>C]GGTACTTCGAGTTTGAAGCAGTCACCACAGGCGAGATGCGCGTGGGCTGGGCGAGGCCCG-3'
Protein context (NP_000531.2, residues 1077-1097): EKSYTVQSGR[Trp1087Arg]YFEFEAVTTG